The following is an entry in ClinVar:

ClinVar aggregate classification (germline): Uncertain significance (1 of 4 stars; one submission).

gnomAD v4.1: 16 of 1,550,148 alleles (0.001%); highest among the groups gnomAD compares: South Asian, 0.0059%; no homozygotes.

Submission:

GeneDx
Classification: Uncertain significance. Last evaluated: 2025-08-11. Review status: criteria provided, single submitter. Criteria: GeneDx Variant Classification Process June 2021. Collection method: clinical testing. Allele origin: germline. Affected: yes.
Comment: In silico analysis supports that this missense variant has a deleterious effect on protein structure/function; Has not been previously published as pathogenic or benign to our knowledge

NM_001292063.2(OTOG):c.7373C>T (p.Pro2458Leu)

Gene: OTOG (otogelin; plus strand). Cytogenetic location: 11p15.1.
Variant type: single nucleotide variant.
Coding change: c.7373C>T on transcript NM_001292063.2 (MANE Select); coding-DNA position 7373, C replaced by T.
Protein change: p.Pro2458Leu; replaces proline 2458 with leucine.
Molecular consequence: missense variant.
Genome position (GRCh38, 1-based): chr11:17,634,174, C>T. VCF-style: chr11-17634174-C-T. GRCh37 (hg19) VCF-style: chr11-17655721-C-T.
Other names: c.7409C>T, p.Pro2470Leu (NM_001277269.2); short protein forms P2470L, P2458L.
Identifiers: ClinVar variation 4795512 (VCV004795512.1).